The following is an entry in ClinVar:

ClinVar aggregate classification (germline): Uncertain significance (1 of 4 stars; one submission).

Conditions:
Amelocerebrohypohidrotic syndrome (KTZS). Also called: Kohlschutter's syndrome; EPILEPSY AND YELLOW TEETH; EPILEPSY, DEMENTIA, AND AMELOGENESIS IMPERFECTA; KOHLSCHUTTER SYNDROME. Identifiers: Orphanet 1946, MedGen C0406740, MONDO:0009185, OMIM 226750.

Allele frequency attached by ClinVar (database versions not stated): TOPMed 0.00001; gnomAD 0.00003; gnomAD exomes 0.00004.
gnomAD v4.1: 54 of 1,613,856 alleles (0.0033%); highest among the groups gnomAD compares: East Asian, 0.0067%; no homozygotes.

Submission:

Labcorp Genetics (formerly Invitae), Labcorp
Classification: Uncertain significance for Amelocerebrohypohidrotic syndrome. Last evaluated: 2024-01-15. Review status: criteria provided, single submitter. Criteria: Invitae Variant Classification Sherloc (09022015). Collection method: clinical testing. Allele origin: germline.
Comment: This sequence change replaces histidine, which is basic and polar, with arginine, which is basic and polar, at codon 207 of the ROGDI protein (p.His207Arg). This variant is not present in population databases (gnomAD no frequency). This variant has not been reported in the literature in individuals affected with ROGDI-related conditions. ClinVar contains an entry for this variant (Variation ID: 1051467). An algorithm developed to predict the effect of missense changes on protein structure and function (PolyPhen-2) suggests that this variant is likely to be disruptive. In summary, the available evidence is currently insufficient to determine the role of this variant in disease. Therefore, it has been classified as a Variant of Uncertain Significance.

NM_024589.3(ROGDI):c.620A>G (p.His207Arg)

Gene: ROGDI (rogdi atypical leucine zipper; minus strand). Cytogenetic location: 16p13.3.
Variant type: single nucleotide variant.
Coding change: c.620A>G on transcript NM_024589.3 (MANE Select); coding-DNA position 620, A replaced by G.
Protein change: p.His207Arg; replaces histidine 207 with arginine.
Molecular consequence: missense variant. On other transcripts: non-coding transcript variant (1).
Genome position (GRCh38, 1-based): chr16:4,798,096, T>C on the plus strand (A>G on the coding strand, the complement: ROGDI is on the minus strand). VCF-style: chr16-4798096-T-C. GRCh37 (hg19) VCF-style: chr16-4848097-T-C.
Other names: short protein forms H207R.
Identifiers: ClinVar variation 1051467 (VCV001051467.7), dbSNP rs994876248, ClinGen allele CA277136229.